The following is an entry in ClinVar:

ClinVar aggregate classification (germline): Likely benign. Review status: criteria provided, multiple submitters, no conflicts (2 of 4 stars). 2 submissions from 2 submitters: Likely benign (2). Last evaluated 2024-05-14.

Conditions:
Familial cancer of breast. Also called: BREAST CANCER, FAMILIAL; hereditary breast carcinoma; Hereditary breast cancer. Identifiers: Orphanet 227535, MedGen C0346153, MONDO:0016419, OMIM 114480. Disease mechanism: loss of function.
Ataxia-telangiectasia syndrome (AT). Also called: Ataxia-telangiectasia; AT, COMPLEMENTATION GROUP C; ATAXIA-TELANGIECTASIA, FRESNO VARIANT; Ataxia-telangiectasia, complementation group D; Ataxia-telangiectasia, complementation group E; LOUIS-BAR SYNDROME. Identifiers: Orphanet 100, MedGen C0004135, MONDO:0008840, OMIM 208900.

Submissions (2):

Myriad Genetics, Inc.
Classification: Likely benign for Familial cancer of breast. Last evaluated: 2024-05-14. Review status: criteria provided, single submitter. Criteria: Myriad Autosomal Dominant, Autosomal Recessive and X-Linked Classification Criteria (2023). Collection method: clinical testing. Allele origin: unknown.
Comment: This variant is considered likely benign. This variant is intronic and is not expected to impact mRNA splicing.

Labcorp Genetics (formerly Invitae), Labcorp
Classification: Likely benign for Ataxia-telangiectasia syndrome. Last evaluated: 2022-08-20. Review status: criteria provided, single submitter. Criteria: Invitae Variant Classification Sherloc (09022015). Collection method: clinical testing. Allele origin: germline.

NM_000051.4(ATM):c.3577-19G>A

Gene: ATM (ATM serine/threonine kinase; plus strand). Cytogenetic location: 11q22.3.
Variant type: single nucleotide variant.
Coding change: c.3577-19G>A on transcript NM_000051.4 (MANE Select); 19 bases into the intron before coding-DNA position 3577, G replaced by A.
Molecular consequence: intron variant.
Genome position (GRCh38, 1-based): chr11:108,282,691, G>A. VCF-style: chr11-108282691-G-A. GRCh37 (hg19) VCF-style: chr11-108153418-G-A.
Other names: c.3577-19G>A (NM_001351834.2).
Identifiers: ClinVar variation 2025413 (VCV002025413.5), dbSNP rs2135685698, ClinGen allele CA2580083230.
Genomic context (GRCh38, chr11:108,282,691, plus strand): 5'-CTCTAAATAATATTAACAAGCATTTAAATGATTTATTTTTTTCATTTTTCTTAACACATT[G>A]ACTTTTTGGTTCGTGCAGGTTTTAGAGAAAGTTTCTGAAACTTTTGGATATAGACGTTTA-3'